The following is an entry in ClinVar:

NM_015102.5(NPHP4):c.551G>A (p.Ser184Asn)

Gene: NPHP4 (nephrocystin 4; minus strand). Cytogenetic location: 1p36.31.
Variant type: single nucleotide variant.
Coding change: c.551G>A on transcript NM_015102.5 (MANE Select); coding-DNA position 551, G replaced by A.
Protein change: p.Ser184Asn; replaces serine 184 with asparagine.
Molecular consequence: missense variant. On other transcripts: 5 prime UTR variant (2), non-coding transcript variant (1).
Genome position (GRCh38, 1-based): chr1:5,961,916, C>T on the plus strand (G>A on the coding strand, the complement: NPHP4 is on the minus strand). VCF-style: chr1-5961916-C-T. GRCh37 (hg19) VCF-style: chr1-6021976-C-T.
Other names: c.551G>A (NM_015102.3); c.-679G>A (NM_001291593.2); c.-816G>A (NM_001291594.2); short protein forms S184N.
Identifiers: ClinVar variation 1379205 (VCV001379205.8), dbSNP rs371641969, ClinGen allele CA554806.

ClinVar aggregate classification (germline): Uncertain significance. Review status: criteria provided, multiple submitters, no conflicts (2 of 4 stars). 3 submissions from 3 submitters: Uncertain significance (3). Last evaluated 2025-12-04.

Conditions:
Inborn genetic diseases. Identifiers: MedGen C0950123, MeSH D030342.
Nephronophthisis. Also called: Juvenile Nephronophthisis. Identifiers: Orphanet 655, MedGen C0687120, MONDO:0019005, HP:0000090.
Nephronophthisis 4 (NPHP4). Also called: NEPHRONOPHTHISIS 4, JUVENILE. Identifiers: Orphanet 655, MedGen C1847013, MONDO:0011752, OMIM 606966.
Senior-Loken syndrome 4 (SLSN4). Identifiers: Orphanet 3156, MedGen C1846979, MONDO:0011756, OMIM 606996.

Allele frequency attached by ClinVar (database versions not stated): gnomAD exomes 0.00001 and 0.00003; ExAC 0.00002; gnomAD 0.00005 and 0.00006; ESP Exome Variant Server 0.00008.
gnomAD v4.1: 14 of 1,609,720 alleles (0.00087%); highest among the groups gnomAD compares: African/African-American, 0.015%; no homozygotes.

Submissions (3):

Ambry Genetics
Classification: Uncertain significance for Inborn genetic diseases. Last evaluated: 2025-12-04. Review status: criteria provided, single submitter. Criteria: Ambry Variant Classification Scheme 2023. Collection method: clinical testing. Allele origin: germline.

Fulgent Genetics
Classification: Uncertain significance for Nephronophthisis 4; Senior-Loken syndrome 4. Last evaluated: 2024-05-29. Review status: criteria provided, single submitter. Criteria: ACMG Guidelines, 2015. Collection method: clinical testing. Allele origin: germline.

Labcorp Genetics (formerly Invitae), Labcorp
Classification: Uncertain significance for Nephronophthisis. Last evaluated: 2022-02-02. Review status: criteria provided, single submitter. Criteria: Invitae Variant Classification Sherloc (09022015). Collection method: clinical testing. Allele origin: germline.
Comment: In summary, the available evidence is currently insufficient to determine the role of this variant in disease. Therefore, it has been classified as a Variant of Uncertain Significance. Algorithms developed to predict the effect of missense changes on protein structure and function (SIFT, PolyPhen-2, Align-GVGD) all suggest that this variant is likely to be tolerated. This variant has not been reported in the literature in individuals affected with NPHP4-related conditions. This variant is present in population databases (rs371641969, gnomAD 0.03%). This sequence change replaces serine, which is neutral and polar, with asparagine, which is neutral and polar, at codon 184 of the NPHP4 protein (p.Ser184Asn).